The following is an entry in ClinVar:

ClinVar aggregate classification (germline): Conflicting classifications of pathogenicity. Review status: criteria provided, conflicting classifications (1 of 4 stars). 4 submissions from 4 submitters: Uncertain significance (1); Likely benign (2). 1 of the submissions does not count toward it. Last evaluated 2025-12-21.

Conditions:
Inborn genetic diseases. Identifiers: MedGen C0950123, MeSH D030342.

Allele frequency attached by ClinVar (database versions not stated): gnomAD exomes 0.00005; gnomAD 0.00013 and 0.00014; TOPMed 0.00017; ExAC 0.00019.
gnomAD v4.1: 353 of 1,556,548 alleles (0.023%); highest among the groups gnomAD compares: Non-Finnish European, 0.028%; 1 homozygote.

Submissions (4):

Labcorp Genetics (formerly Invitae), Labcorp
Classification: Uncertain significance. Last evaluated: 2025-12-21. Review status: criteria provided, single submitter. Criteria: Invitae Variant Classification Sherloc (09022015). Collection method: clinical testing. Allele origin: germline.
Comment: This sequence change replaces threonine, which is neutral and polar, with alanine, which is neutral and non-polar, at codon 95 of the KDM1A protein (p.Thr95Ala). This variant is present in population databases (rs200773378, gnomAD 0.02%). This variant has not been reported in the literature in individuals affected with KDM1A-related conditions. ClinVar contains an entry for this variant (Variation ID: 1050172). An algorithm developed to predict the effect of missense changes on protein structure and function (PolyPhen-2) suggests that this variant is likely to be tolerated. In summary, the available evidence is currently insufficient to determine the role of this variant in disease. Therefore, it has been classified as a Variant of Uncertain Significance.

Ambry Genetics
Classification: Likely benign for Inborn genetic diseases. Last evaluated: 2024-11-23. Review status: criteria provided, single submitter. Criteria: Ambry Variant Classification Scheme 2023. Collection method: clinical testing. Allele origin: germline.

CeGaT Center for Human Genetics Tuebingen
Classification: Likely benign. Last evaluated: 2022-03-01. Review status: criteria provided, single submitter. Criteria: CeGaT Center For Human Genetics Tuebingen Variant Classification Criteria Version 2. Collection method: clinical testing. Allele origin: germline. Affected: yes. Observed: 1 variant allele.
Comment: KDM1A: PP2, BS2

Department of Pathology and Laboratory Medicine, Sinai Health System
Classification: Likely benign. Review status: no assertion criteria provided. Collection method: clinical testing. Allele origin: unknown. Affected: yes. Study: The Canadian Open Genetics Repository (COGR). Not counted in ClinVar's aggregate classification.
Comment: The KDM1A p.Thr95Ala variant was not identified in the literature nor was it identified in ClinVar, Cosmic or LOVD 3.0. The variant was identified in dbSNP (ID: rs200773378) and in control databases in 14 of 199878 chromosomes at a frequency of 0.00007 (Genome Aggregation Database Feb 27, 2017). The variant was observed in the following populations: Other in 1 of 4894 chromosomes (freq: 0.000204) and European (non-Finnish) in 13 of 87160 chromosomes (freq: 0.000149); it was not observed in the African, Latino, Ashkenazi Jewish, East Asian, European (Finnish) or South Asian populations. The p.Thr95 residue is conserved in in mammals but not in more distantly related organisms however computational analyses (PolyPhen-2, SIFT, AlignGVGD, BLOSUM, MutationTaster) do not suggest a high likelihood of impact to the protein; this information is not predictive enough to rule out pathogenicity. The variant occurs outside of the splicing consensus sequence and in silico or computational prediction software programs (SpliceSiteFinder, MaxEntScan, NNSPLICE, GeneSplicer) do not predict a difference in splicing. In summary, based on the above information the clinical significance of this variant cannot be determined with certainty at this time although we would lean towards a more benign role for this variant. This variant is classified as likely benign.

NM_001009999.3(KDM1A):c.283A>G (p.Thr95Ala)

Gene: KDM1A (lysine demethylase 1A; plus strand). Cytogenetic location: 1p36.12.
Variant type: single nucleotide variant.
Coding change: c.283A>G on transcript NM_001009999.3 (MANE Select); coding-DNA position 283, A replaced by G.
Protein change: p.Thr95Ala; replaces threonine 95 with alanine.
Molecular consequence: missense variant.
Genome position (GRCh38, 1-based): chr1:23,019,879, A>G. VCF-style: chr1-23019879-A-G. GRCh37 (hg19) VCF-style: chr1-23346372-A-G.
Other names: c.283A>G (NM_001009999.2); c.283A>G, p.Thr95Ala (NM_001363654.2, NM_015013.4); short protein forms T95A.
Identifiers: ClinVar variation 1050172 (VCV001050172.39), dbSNP rs200773378, ClinGen allele CA679423.